The following is an entry in ClinVar:

NC_000019.9:g.(?_54627858)_(54628055_?)del

Gene: PRPF31 (pre-mRNA processing factor 31; plus strand). Cytogenetic location: 19q13.42.
Variant type: Deletion.
Identifiers: ClinVar variation 2426194 (VCV002426194.5).

ClinVar aggregate classification (germline): Pathogenic (1 of 4 stars; one submission).

Submission:

Labcorp Genetics (formerly Invitae), Labcorp
Classification: Pathogenic. Last evaluated: 2023-07-17. Review status: criteria provided, single submitter. Criteria: Invitae Variant Classification Sherloc (09022015). Collection method: clinical testing. Allele origin: germline.
Comment: This variant is a gross deletion of the genomic region encompassing exon(s) 8 of the PRPF31 gene. This deletion is out-of-frame, and is expected to create a premature termination codon and result in an absent or disrupted protein product. Loss-of-function variants in PRPF31 are known to be pathogenic (PMID: 18317597, 23950152). This variant has not been reported in the literature in individuals affected with PRPF31-related conditions. For these reasons, this variant has been classified as Pathogenic.

Literature cited by the submitters: PubMed 18317597; PubMed 23950152.